The following is an entry in ClinVar:

NM_012186.3(FOXE3):c.689C>G (p.Ala230Gly)

Genes: FOXE3 (forkhead box E3; plus strand), LINC01389 (long independently transcribed non-coding RNA 1389; minus strand). Cytogenetic location: 1p33.
Variant type: single nucleotide variant.
Coding change: c.689C>G on transcript NM_012186.3 (MANE Select); coding-DNA position 689, C replaced by G.
Protein change: p.Ala230Gly; replaces alanine 230 with glycine.
Molecular consequence: missense variant.
Genome position (GRCh38, 1-based): chr1:47,417,004, C>G. VCF-style: chr1-47417004-C-G. GRCh37 (hg19) VCF-style: chr1-47882676-C-G.
Other names: c.689C>G (NM_012186.2); short protein forms A230G.
Identifiers: ClinVar variation 1998828 (VCV001998828.5), dbSNP rs2521321493, ClinGen allele CA340250503.

ClinVar aggregate classification (germline): Uncertain significance (1 of 4 stars; one submission).

Conditions:
Anterior segment dysgenesis. Also called: Ocular anterior segment dysgenesis. Identifiers: Orphanet 88632, MedGen C1862839, MONDO:0019503, HP:0007700.
Aortic aneurysm, familial thoracic 11, susceptibility to (AAT11). Identifiers: MedGen C4479235, MONDO:0044301, OMIM 617349.
Congenital primary aphakia. Also called: ANTERIOR SEGMENT DYSGENESIS 2; Anterior segment dysgenesis 2, multiple subtypes. Identifiers: Orphanet 83461, MedGen C1853230, MONDO:0012456, OMIM 610256.

Submission:

Labcorp Genetics (formerly Invitae), Labcorp
Classification: Uncertain significance for Anterior segment dysgenesis; Congenital primary aphakia. Last evaluated: 2022-05-25. Review status: criteria provided, single submitter. Criteria: Invitae Variant Classification Sherloc (09022015). Collection method: clinical testing. Allele origin: germline.
Comment: This sequence change replaces alanine, which is neutral and non-polar, with glycine, which is neutral and non-polar, at codon 230 of the FOXE3 protein (p.Ala230Gly). This variant is not present in population databases (gnomAD no frequency). This variant has not been reported in the literature in individuals affected with FOXE3-related conditions. Algorithms developed to predict the effect of missense changes on protein structure and function (SIFT, PolyPhen-2, Align-GVGD) all suggest that this variant is likely to be tolerated. In summary, the available evidence is currently insufficient to determine the role of this variant in disease. Therefore, it has been classified as a Variant of Uncertain Significance.